The following is an entry in ClinVar:

ClinVar aggregate classification (germline): Uncertain significance (1 of 4 stars; one submission).

Conditions:
Hereditary cancer-predisposing syndrome. Also called: Hereditary Cancer Syndrome; Hereditary neoplastic syndrome; Neoplastic Syndromes, Hereditary; Tumor predisposition. Identifiers: Orphanet 140162, MedGen C0027672, MeSH D009386, MONDO:0015356.

Allele frequency attached by ClinVar (database versions not stated): TOPMed below 0.00001; ExAC 0.00002.
gnomAD v4.1: 2 of 1,613,838 alleles (0.00012%); highest among the groups gnomAD compares: Non-Finnish European, 0.00017%; no homozygotes.

Submission:

Ambry Genetics
Classification: Uncertain significance for Hereditary cancer-predisposing syndrome. Last evaluated: 2025-08-21. Review status: criteria provided, single submitter. Criteria: Ambry Variant Classification Scheme 2023. Collection method: clinical testing. Allele origin: germline.
Comment: The p.T473I variant (also known as c.1418C>T), located in coding exon 9 of the MSH3 gene, results from a C to T substitution at nucleotide position 1418. The threonine at codon 473 is replaced by isoleucine, an amino acid with similar properties. This amino acid position is conserved. In addition, this alteration is predicted to be tolerated by in silico analysis. Since supporting evidence is limited at this time, the clinical significance of this alteration remains unclear.

NM_002439.5(MSH3):c.1418C>T (p.Thr473Ile)

Gene: MSH3 (mutS homolog 3; plus strand). Cytogenetic location: 5q14.1.
Variant type: single nucleotide variant.
Coding change: c.1418C>T on transcript NM_002439.5 (MANE Select); coding-DNA position 1418, C replaced by T.
Protein change: p.Thr473Ile; replaces threonine 473 with isoleucine.
Molecular consequence: missense variant.
Genome position (GRCh38, 1-based): chr5:80,725,530, C>T. VCF-style: chr5-80725530-C-T. GRCh37 (hg19) VCF-style: chr5-80021349-C-T.
Other names: short protein forms T473I.
Identifiers: ClinVar variation 1772175 (VCV001772175.3), dbSNP rs755255100, ClinGen allele CA3327901.